The following is an entry in ClinVar:

NM_001330260.2(SCN8A):c.323C>T (p.Ala108Val)

Gene: SCN8A (sodium voltage-gated channel alpha subunit 8; plus strand). Cytogenetic location: 12q13.13.
Variant type: single nucleotide variant.
Coding change: c.323C>T on transcript NM_001330260.2 (MANE Select); coding-DNA position 323, C replaced by T.
Protein change: p.Ala108Val; replaces alanine 108 with valine.
Molecular consequence: missense variant.
Genome position (GRCh38, 1-based): chr12:51,684,220, C>T. VCF-style: chr12-51684220-C-T. GRCh37 (hg19) VCF-style: chr12-52078004-C-T.
Other names: c.323C>T, p.Ala108Val (NM_001177984.3, NM_001369788.1, NM_014191.4); short protein forms A108V.
Identifiers: ClinVar variation 3359106 (VCV003359106.2).
Genomic context (GRCh38, chr12:51,684,220, plus strand): 5'-TTCTTTCTCCACAGACCTTTGTAGTATTAAACAGAGGGAAAACTCTCTTCAGATTTAGTG[C>T]CACGCCTGCCTTGTACATTTTAAGTCCTTTTAACCTGATAAGAAGAATAGCTATTAAAAT-3'
Protein context (NP_001317189.1, residues 98-118): NRGKTLFRFS[Ala108Val]TPALYILSPF

ClinVar aggregate classification (germline): Likely pathogenic (1 of 4 stars; one submission).

Conditions:
Cognitive impairment with or without cerebellar ataxia (CIAT). Identifiers: MedGen C3280415, MONDO:0013680, OMIM 614306.

Submission:

Institute of Human Genetics, University of Leipzig Medical Center
Classification: Likely pathogenic for Cognitive impairment with or without cerebellar ataxia. Last evaluated: 2024-09-25. Review status: criteria provided, single submitter. Criteria: ACMG Guidelines, 2015. Collection method: clinical testing. Allele origin: unknown. Inheritance: Autosomal dominant inheritance. Affected: yes.
Comment: Criteria applied: PS1,PM2,PP3_MOD